The following is an entry in ClinVar:

ClinVar aggregate classification (germline): Uncertain significance. Review status: criteria provided, multiple submitters, no conflicts (2 of 4 stars). 2 submissions from 2 submitters: Uncertain significance (2). Last evaluated 2022-08-06.

Conditions:
Inborn genetic diseases. Identifiers: MedGen C0950123, MeSH D030342.

Allele frequency attached by ClinVar (database versions not stated): TOPMed 0.00002; ExAC 0.00003; gnomAD exomes 0.00004; gnomAD 0.00006 and 0.00007; ESP Exome Variant Server 0.00015.
gnomAD v4.1: 72 of 1,614,144 alleles (0.0045%); highest among the groups gnomAD compares: Middle Eastern, 0.016%; no homozygotes.

Submissions (2):

Labcorp Genetics (formerly Invitae), Labcorp
Classification: Uncertain significance. Last evaluated: 2022-08-06. Review status: criteria provided, single submitter. Criteria: Invitae Variant Classification Sherloc (09022015). Collection method: clinical testing. Allele origin: germline.
Comment: This sequence change replaces alanine, which is neutral and non-polar, with valine, which is neutral and non-polar, at codon 240 of the AIMP2 protein (p.Ala240Val). This variant is present in population databases (rs140208111, gnomAD 0.006%). This variant has not been reported in the literature in individuals affected with AIMP2-related conditions. ClinVar contains an entry for this variant (Variation ID: 1357079). Algorithms developed to predict the effect of missense changes on protein structure and function are either unavailable or do not agree on the potential impact of this missense change (SIFT: "Tolerated"; PolyPhen-2: "Possibly Damaging"; Align-GVGD: "Class C0"). In summary, the available evidence is currently insufficient to determine the role of this variant in disease. Therefore, it has been classified as a Variant of Uncertain Significance.

Ambry Genetics
Classification: Uncertain significance for Inborn genetic diseases. Last evaluated: 2022-07-25. Review status: criteria provided, single submitter. Criteria: Ambry Variant Classification Scheme 2023. Collection method: clinical testing. Allele origin: germline.

NM_006303.4(AIMP2):c.719C>T (p.Ala240Val)

Genes: AIMP2 (aminoacyl tRNA synthetase complex interacting multifunctional protein 2; plus strand), EIF2AK1 (eukaryotic translation initiation factor 2 alpha kinase 1; minus strand). Cytogenetic location: 7p22.1.
Variant type: single nucleotide variant.
Coding change: c.719C>T on transcript NM_006303.4 (MANE Select); coding-DNA position 719, C replaced by T.
Protein change: p.Ala240Val; replaces alanine 240 with valine.
Molecular consequence: missense variant. On other transcripts: 3 prime UTR variant (2).
Genome position (GRCh38, 1-based): chr7:6,023,447, C>T. VCF-style: chr7-6023447-C-T. GRCh37 (hg19) VCF-style: chr7-6063078-C-T.
Other names: c.*1226G>A (NM_001134335.2, NM_014413.4); c.599C>T, p.Ala200Val (NM_001326606.2); c.512C>T, p.Ala171Val (NM_001326607.2); c.485C>T, p.Ala162Val (NM_001326609.2, NM_001326610.2, NM_001326611.3); c.632C>T, p.Ala211Val (NM_001362785.2); c.587C>T, p.Ala196Val (NM_001362787.2); short protein forms A171V, A196V, A211V, A162V, A240V, A200V.
Identifiers: ClinVar variation 1357079 (VCV001357079.6), dbSNP rs140208111, ClinGen allele CA4150465.